The following is an entry in ClinVar:

NM_000154.2(GALK1):c.94G>A (p.Val32Met)

Gene: GALK1 (galactokinase 1; minus strand). Cytogenetic location: 17q25.1.
Variant type: single nucleotide variant.
Coding change: c.94G>A on transcript NM_000154.2 (MANE Select); coding-DNA position 94, G replaced by A.
Protein change: p.Val32Met; replaces valine 32 with methionine.
Molecular consequence: missense variant.
Genome position (GRCh38, 1-based): chr17:75,765,043, C>T on the plus strand (G>A on the coding strand, the complement: GALK1 is on the minus strand). VCF-style: chr17-75765043-C-T. GRCh37 (hg19) VCF-style: chr17-73761124-C-T.
Other names: short protein forms V32M.
Identifiers: ClinVar variation 5628 (VCV000005628.18), dbSNP rs104894576, ClinGen allele CA117655.

ClinVar aggregate classification (germline): Conflicting classifications of pathogenicity. Review status: criteria provided, conflicting classifications (1 of 4 stars). 7 submissions from 7 submitters: Likely pathogenic (2); Uncertain significance (3). 2 of the submissions do not count toward it. Last evaluated 2025-10-16.

Conditions:
Deficiency of galactokinase. Also called: Galactokinase deficiency with cataracts; GALACTOSEMIA II. Identifiers: Orphanet 352, Orphanet 79237, MedGen C0268155, MONDO:0009255, OMIM 230200.

Allele frequency attached by ClinVar (database versions not stated): TOPMed below 0.00001; ExAC 0.00001; gnomAD exomes 0.00001 and 0.00003; gnomAD 0.00003.

Submissions (7):

Myriad Genetics, Inc.
Classification: Uncertain significance for Deficiency of galactokinase. Last evaluated: 2025-10-16. Review status: criteria provided, single submitter. Criteria: Myriad Autosomal Dominant, Autosomal Recessive and X-Linked Classification Criteria (2023). Collection method: clinical testing. Allele origin: unknown.
Comment: NM_000154.1(GALK1):c.94G>A(V32M) is a missense variant classified as a variant of uncertain significance in the context of galactokinase deficiency. V32M has been observed in a case with relevant disease (PMID: 7670469). Relevant functional assessments of this variant are available in the literature (PMID: 7670469). V32M has been observed in referenced population frequency databases. In summary, there is insufficient evidence to classify NM_000154.1(GALK1):c.94G>A(V32M) as pathogenic or benign. Please note: this variant was assessed in the context of healthy population screening.

Natera, Inc.
Classification: Likely pathogenic for Deficiency of galactokinase. Last evaluated: 2024-11-10. Review status: criteria provided, single submitter. Criteria: Natera Variant Classification Schema (03/2026). Collection method: clinical testing. Allele origin: germline.
Comment: The c.94G>A variant in GALK1 is a missense variant predicted to cause substitution of valine to methionine at amino acid 32. This variant is rare in the general population with a frequency below the threshold expected for the associated phenotype(s). This variant has been observed in one or more individuals affected with the associated recessive disease, as either homozygous or compound heterozygous with a second variant (PMID: 7670469). This variant has been identified in one or more affected individuals with a phenotype highly consistent with the associated gene (PMID: 7670469). Functional studies show that this variant may disrupt protein function (PMID: 7670469). Computational prediction algorithms indicate this variant is likely to affect gene or protein function. Given the available evidence, this variant is classified as Likely Pathogenic.

Fulgent Genetics
Classification: Likely pathogenic for Deficiency of galactokinase. Last evaluated: 2024-04-29. Review status: criteria provided, single submitter. Criteria: ACMG Guidelines, 2015. Collection method: clinical testing. Allele origin: germline.

Labcorp Genetics (formerly Invitae), Labcorp
Classification: Uncertain significance for Deficiency of galactokinase. Last evaluated: 2022-02-24. Review status: criteria provided, single submitter. Criteria: Invitae Variant Classification Sherloc (09022015). Collection method: clinical testing. Allele origin: germline.
Comment: This sequence change replaces valine, which is neutral and non-polar, with methionine, which is neutral and non-polar, at codon 32 of the GALK1 protein (p.Val32Met). The frequency data for this variant in the population databases is considered unreliable, as metrics indicate poor data quality at this position in the gnomAD database. This missense change has been observed in individual(s) with galactokinase deficiency (PMID: 7670469). ClinVar contains an entry for this variant (Variation ID: 5628). Algorithms developed to predict the effect of missense changes on protein structure and function are either unavailable or do not agree on the potential impact of this missense change (SIFT: "Deleterious"; PolyPhen-2: "Possibly Damaging"; Align-GVGD: "Class C0"). Experimental studies have shown that this missense change affects GALK1 function (PMID: 7670469, 12694189). In summary, the available evidence is currently insufficient to determine the role of this variant in disease. Therefore, it has been classified as a Variant of Uncertain Significance.

Genome-Nilou Lab
Classification: Uncertain significance for Deficiency of galactokinase. Last evaluated: 2021-05-18. Review status: criteria provided, single submitter. Criteria: ACMG Guidelines, 2015. Collection method: clinical testing. Allele origin: germline. Affected: no.

Counsyl
Classification: Uncertain significance for Deficiency of galactokinase. Last evaluated: 2017-04-06. Review status: no assertion criteria provided. Collection method: clinical testing. Allele origin: unknown. Not counted in ClinVar's aggregate classification.

OMIM
Classification: Pathogenic for GALACTOSEMIA II. Last evaluated: 1995-07-01. Review status: no assertion criteria provided. Collection method: literature only. Allele origin: germline. Not counted in ClinVar's aggregate classification.

Literature cited by the submitters: PubMed 7670469 (cited by 5 submitters); PubMed 12694189 (cited by Labcorp Genetics (formerly Invitae), Labcorp and Counsyl); PubMed 15024738 (cited by Counsyl); PubMed 10521295 (cited by Counsyl).